The following is an entry in ClinVar:

NM_005562.3(LAMC2):c.539del (p.Asn180fs)

Gene: LAMC2 (laminin subunit gamma 2; plus strand). Cytogenetic location: 1q25.3.
Variant type: Deletion.
Coding change: c.539del on transcript NM_005562.3 (MANE Select); coding-DNA position 539, one base deleted (A; older notation c.539delA).
Protein change: p.Asn180fs; shifts the reading frame from asparagine 180.
Molecular consequence: frameshift variant.
Genome position (GRCh38, 1-based): chr1:183,220,860, A deleted; the last of 2 consecutive A bases (chr1:183,220,859-183,220,860); deleting either gives the same sequence. VCF-style (leftmost placement, unchanged base first): chr1-183220858-GA-G. GRCh37 (hg19) VCF-style: chr1-183189993-GA-G.
Other names: c.539del, p.Asn180fs (NM_018891.3); short protein forms N180fs.
Identifiers: ClinVar variation 1360353 (VCV001360353.6), dbSNP rs1558089869, ClinGen allele CA527264291.
Genomic context (GRCh38, chr1:183,220,858, plus strand): 5'-ATCCTGATTTCTACAATGCCACTGCAGGTGTCGATCAGGTTACTATAATCTGGATGGGGG[GA>G]ACCCTGAGGGCTGTACCCAGTGTTTCTGCTATGGGCATTCAGCCAGCTGCCGCAGCTCTG-3'

ClinVar aggregate classification (germline): Pathogenic (1 of 4 stars; one submission).

Submission:

Labcorp Genetics (formerly Invitae), Labcorp
Classification: Pathogenic. Last evaluated: 2021-08-27. Review status: criteria provided, single submitter. Criteria: Invitae Variant Classification Sherloc (09022015). Collection method: clinical testing. Allele origin: germline.
Comment: This sequence change creates a premature translational stop signal (p.Asn180Thrfs*67) in the LAMC2 gene. It is expected to result in an absent or disrupted protein product. Loss-of-function variants in LAMC2 are known to be pathogenic (PMID: 11907499, 16473856). This variant is not present in population databases (ExAC no frequency). This variant has not been reported in the literature in individuals affected with LAMC2-related conditions. For these reasons, this variant has been classified as Pathogenic.

Literature cited by the submitters: PubMed 11907499; PubMed 16473856.